The following is an entry in ClinVar:

ClinVar aggregate classification (germline): Likely benign (1 of 4 stars; one submission).

Conditions:
TALDO1-related disorder. Also called: TALDO1-related condition.

Submission:

PreventionGenetics, part of Exact Sciences
Classification: Likely benign for TALDO1-related condition. Last evaluated: 2025-12-08. Review status: criteria provided, single submitter. Criteria: ACMG Guidelines, 2015. Collection method: clinical testing. Allele origin: germline.
Comment: This variant is classified as likely benign based on ACMG/AMP sequence variant interpretation guidelines (Richards et al. 2015 PMID: 25741868, with internal and published modifications).

NM_006755.2(TALDO1):c.852G>A (p.Leu284=)

Gene: TALDO1 (transaldolase 1; plus strand). Cytogenetic location: 11p15.5.
Variant type: single nucleotide variant.
Coding change: c.852G>A on transcript NM_006755.2 (MANE Select); coding-DNA position 852, G replaced by A.
Protein change: p.Leu284=; no amino-acid change (leucine 284 retained).
Molecular consequence: synonymous variant.
Genome position (GRCh38, 1-based): chr11:764,304, G>A. VCF-style: chr11-764304-G-A. GRCh37 (hg19) VCF-style: chr11-764304-G-A.
Identifiers: ClinVar variation 4996544 (VCV004996544.1).
Genomic context (GRCh38, chr11:764,304, plus strand): 5'-CAGGGACATGGAGCAGGCATGGAAGGCTGGTTCTTGTCCCCCAGCCCAAGCCAGTGACCT[G>A]GAAAAAATCCACCTGGATGAGAAGTCTTTCCGTTGGTTGCACAACGAGGACCAGATGGCT-3'
Protein context (NP_006746.1, residues 274-294): LSAKAAQASD[Leu284=]EKIHLDEKSF